The following is an entry in ClinVar:

NM_001009944.3(PKD1):c.3218dup (p.Ser1074fs)

Gene: PKD1 (polycystin 1, transient receptor potential channel interacting; minus strand). Cytogenetic location: 16p13.3.
Variant type: Duplication.
Coding change: c.3218dup on transcript NM_001009944.3 (MANE Select); coding-DNA position 3218, one base duplicated (A; older notation c.3218dupA).
Protein change: p.Ser1074fs; shifts the reading frame from serine 1074.
Molecular consequence: frameshift variant.
Genome position (GRCh38, 1-based): chr16:2,112,417, T duplicated on the plus strand (A on the coding strand, the reverse complement: PKD1 is on the minus strand). VCF-style (leftmost placement, unchanged base first): chr16-2112416-C-CT. GRCh37 (hg19) VCF-style: chr16-2162417-C-CT.
Other names: c.3218dup, p.Ser1074fs (NM_000296.4); short protein forms S1074fs.
Identifiers: ClinVar variation 3384006 (VCV003384006.1).

ClinVar aggregate classification (germline): Pathogenic (1 of 4 stars; one submission).

Conditions:
Polycystic kidney disease, adult type (PKD1). Also called: POLYCYSTIC KIDNEY DISEASE, ADULT, TYPE I; Polycystic Kidney Disease 1, Autosomal Dominant; Polycystic kidney disease 1; Polycystic kidney disease 1, severe; Polycystic Kidney, Autosomal Dominant; POLYCYSTIC KIDNEY DISEASE 1 WITH OR WITHOUT POLYCYSTIC LIVER DISEASE. Identifiers: MedGen C3149841, MONDO:0008263, OMIM 173900.

Submission:

Dubai Health Genomic Medicine Center, Dubai Health
Classification: Pathogenic for Polycystic kidney disease 1. Last evaluated: 2024-10-04. Review status: criteria provided, single submitter. Criteria: ACMG Guidelines, 2015. Collection method: research. Allele origin: germline. Affected: yes.
Comment: PVS1,PM2,PP4